The following is an entry in ClinVar:

ClinVar aggregate classification (germline): Uncertain significance (1 of 4 stars; one submission).

Conditions:
Ullrich congenital muscular dystrophy 2 (UCMD2). Identifiers: Orphanet 75840, MedGen C4225314, MONDO:0014654, OMIM 616470.
Bethlem myopathy 2 (BTHLM2). Identifiers: Orphanet 536516, Orphanet 610, MedGen C4225313, MONDO:0034022, OMIM 616471.

gnomAD v4.1: 4 of 1,613,714 alleles (0.00025%); highest among the groups gnomAD compares: Non-Finnish European, 0.00025%; no homozygotes.

Submission:

Labcorp Genetics (formerly Invitae), Labcorp
Classification: Uncertain significance for Bethlem myopathy 2; Ullrich congenital muscular dystrophy 2. Last evaluated: 2026-01-18. Review status: criteria provided, single submitter. Criteria: Invitae Variant Classification Sherloc (09022015). Collection method: clinical testing. Allele origin: germline.
Comment: This sequence change replaces valine, which is neutral and non-polar, with aspartic acid, which is acidic and polar, at codon 2746 of the COL12A1 protein (p.Val2746Asp). This variant is present in population databases (no rsID available, gnomAD 0.0009%). This variant has not been reported in the literature in individuals affected with COL12A1-related conditions. Invitae Evidence Modeling of protein sequence and biophysical properties (such as structural, functional, and spatial information, amino acid conservation, physicochemical variation, residue mobility, and thermodynamic stability) indicates that this missense variant is not expected to disrupt COL12A1 protein function with a negative predictive value of 80%. In summary, the available evidence is currently insufficient to determine the role of this variant in disease. Therefore, it has been classified as a Variant of Uncertain Significance.

NM_004370.6(COL12A1):c.8237T>A (p.Val2746Asp)

Gene: COL12A1 (collagen type XII alpha 1 chain; minus strand). Cytogenetic location: 6q13.
Variant type: single nucleotide variant.
Coding change: c.8237T>A on transcript NM_004370.6 (MANE Select); coding-DNA position 8237, T replaced by A.
Protein change: p.Val2746Asp; replaces valine 2746 with aspartic acid.
Molecular consequence: missense variant.
Genome position (GRCh38, 1-based): chr6:75,105,234, A>T on the plus strand (T>A on the coding strand, the complement: COL12A1 is on the minus strand). VCF-style: chr6-75105234-A-T. GRCh37 (hg19) VCF-style: chr6-75814950-A-T.
Other names: c.8237T>A, p.Val2746Asp (NM_001424113.1); c.8216T>A, p.Val2739Asp (NM_001424114.1); c.7964T>A, p.Val2655Asp (NM_001424115.1); c.4745T>A, p.Val1582Asp (NM_001424116.1, NM_080645.3); short protein forms V2655D, V1582D, V2746D, V2739D.
Identifiers: ClinVar variation 4782416 (VCV004782416.1).